The following is an entry in ClinVar:

NM_003238.6(TGFB2):c.294_308del (p.Ala100_Tyr104del)

Gene: TGFB2 (transforming growth factor beta 2; plus strand). Cytogenetic location: 1q41.
Variant type: Deletion.
Coding change: c.294_308del on transcript NM_003238.6 (MANE Select); coding-DNA positions 294 to 308, 15 bases deleted (CTACGCCAAGGAGGT).
Protein change: p.Ala100_Tyr104del.
Molecular consequence: inframe deletion. On other transcripts: non-coding transcript variant (2).
Genome position (GRCh38, 1-based): chr1:218,346,995-218,347,009, CTACGCCAAGGAGGT deleted. VCF-style (leftmost placement, unchanged base first): chr1-218346994-ACTACGCCAAGGAGGT-A. GRCh37 (hg19) VCF-style: chr1-218520336-ACTACGCCAAGGAGGT-A.
Other names: c.294_308del, p.Ala100_Tyr104del (NM_001135599.4).
Identifiers: ClinVar variation 37086 (VCV000037086.13), dbSNP rs398122883, ClinGen allele CA281900.

ClinVar aggregate classification (germline): Conflicting classifications of pathogenicity. Review status: criteria provided, conflicting classifications (1 of 4 stars). 3 submissions from 3 submitters: Pathogenic (1); Uncertain significance (1). 1 of the submissions does not count toward it. Last evaluated 2020-10-20.

Conditions:
Loeys-Dietz syndrome 4 (LDS4). Also called: ANEURYSM, AORTIC AND CEREBRAL, WITH ARTERIAL TORTUOSITY AND SKELETAL MANIFESTATIONS; TGFB2-Related Loeys-Dietz Syndrome. Identifiers: MedGen C3553762, MONDO:0013897, OMIM 614816.

Submissions (3):

Labcorp Genetics (formerly Invitae), Labcorp
Classification: Uncertain significance for Loeys-Dietz syndrome 4. Last evaluated: 2020-10-20. Review status: criteria provided, single submitter. Criteria: Invitae Variant Classification Sherloc (09022015). Collection method: clinical testing. Allele origin: germline.
Comment: In summary, the available evidence is currently insufficient to determine the role of this variant in disease. Therefore, it has been classified as a Variant of Uncertain Significance. This variant, c.294_308del, results in the deletion of 5 amino acid(s) of the TGFB2 protein (p.Ala100_Tyr104del), but otherwise preserves the integrity of the reading frame. This variant is not present in population databases (ExAC no frequency). This variant has been observed in individual(s) with TGFB2-related conditions (PMID: 22772368, Invitae). ClinVar contains an entry for this variant (Variation ID: 37086).

Baylor-Hopkins Center for Mendelian Genomics, Johns Hopkins University School of Medicine
Classification: Pathogenic for Loeys-Dietz syndrome 4. Review status: criteria provided, single submitter. Criteria: Submitter's publication. Collection method: research. Allele origin: germline. Affected: yes. Observed: 1 heterozygote.

OMIM
Classification: Pathogenic for LOEYS-DIETZ SYNDROME 4. Last evaluated: 2012-07-08. Review status: no assertion criteria provided. Collection method: literature only. Allele origin: germline. Not counted in ClinVar's aggregate classification.

Literature cited by the submitters: PubMed 22772368 (cited by Labcorp Genetics (formerly Invitae), Labcorp and OMIM).